The following is an entry in ClinVar:

NM_000350.3(ABCA4):c.3323G>T (p.Arg1108Leu)

Gene: ABCA4 (ATP binding cassette subfamily A member 4; minus strand). Cytogenetic location: 1p22.1.
Variant type: single nucleotide variant.
Coding change: c.3323G>T on transcript NM_000350.3 (MANE Select); coding-DNA position 3323, G replaced by T.
Protein change: p.Arg1108Leu; replaces arginine 1108 with leucine.
Molecular consequence: missense variant.
Genome position (GRCh38, 1-based): chr1:94,042,766, C>A on the plus strand (G>T on the coding strand, the complement: ABCA4 is on the minus strand). VCF-style: chr1-94042766-C-A. GRCh37 (hg19) VCF-style: chr1-94508322-C-A.
Other names: c.3101G>T, p.Arg1034Leu (NM_001425324.1); short protein forms R1108L, R1034L.
Identifiers: ClinVar variation 99220 (VCV000099220.12), dbSNP rs61750121, ClinGen allele CA227110.

ClinVar aggregate classification (germline): Pathogenic/Likely pathogenic. Review status: criteria provided, multiple submitters, no conflicts (2 of 4 stars). 6 submissions from 5 submitters: Pathogenic (2); Likely pathogenic (2). 2 of the submissions do not count toward it. Last evaluated 2024-11-18.

Conditions:
ABCA4-related disorder. Also called: ABCA4-related condition; ABCA4-related disorders. Identifiers: MedGen CN239167.
Retinal dystrophy. Also called: Inherited retinal dystrophy. Identifiers: Orphanet 71862, MedGen C0854723, MeSH D058499, MONDO:0019118, HP:0000556.
Severe early-childhood-onset retinal dystrophy (STGD1). Also called: MACULAR DYSTROPHY WITH FLECKS, TYPE 1; STGD; Stargardt disease 1; Stargardt macular dystrophy; Juvenile onset macular degeneration. Identifiers: Orphanet 364055, Orphanet 827, MedGen C1855465, MeSH D000080362, MONDO:0009549, OMIM 248200.

gnomAD v4.1: 2 of 1,614,176 alleles (0.00012%); highest among the groups gnomAD compares: Non-Finnish European, 0.00017%; no homozygotes.

Submissions (6):

Blueprint Genetics
Classification: Pathogenic for ABCA4-related disorders. Last evaluated: 2024-11-18. Review status: criteria provided, single submitter. Criteria: ACMG Guidelines, 2015. Collection method: clinical testing. Allele origin: germline. Affected: yes. Observed: 3 variant alleles.

Labcorp Genetics (formerly Invitae), Labcorp
Classification: Pathogenic. Last evaluated: 2024-01-04. Review status: criteria provided, single submitter. Criteria: Invitae Variant Classification Sherloc (09022015). Collection method: clinical testing. Allele origin: germline.
Comment: This sequence change replaces arginine, which is basic and polar, with leucine, which is neutral and non-polar, at codon 1108 of the ABCA4 protein (p.Arg1108Leu). This variant is not present in population databases (gnomAD no frequency). This missense change has been observed in individuals with Stargardt macular degeneration or cone-rod degeneration (PMID: 11527935, 28118664, 29854428). ClinVar contains an entry for this variant (Variation ID: 99220). Advanced modeling of protein sequence and biophysical properties (such as structural, functional, and spatial information, amino acid conservation, physicochemical variation, residue mobility, and thermodynamic stability) performed at Invitae indicates that this missense variant is expected to disrupt ABCA4 protein function with a positive predictive value of 95%. This variant disrupts the p.Arg1108 amino acid residue in ABCA4. Other variant(s) that disrupt this residue have been determined to be pathogenic (PMID: 10958763, 11379881, 26092729, 26103963, 30337596). This suggests that this residue is clinically significant, and that variants that disrupt this residue are likely to be disease-causing. For these reasons, this variant has been classified as Pathogenic.

Institute of Human Genetics, Univ. Regensburg, Univ. Regensburg
Classification: Likely pathogenic for Severe early-childhood-onset retinal dystrophy. Last evaluated: 2016-01-01. Review status: criteria provided, single submitter. Criteria: Schulz et al. (Invest Ophthalmol Vis Sci. 2017). Collection method: clinical testing. Allele origin: germline. Affected: yes. Observed: 1 heterozygote.

Institute of Human Genetics, Univ. Regensburg, Univ. Regensburg
Classification: Likely pathogenic for Retinal dystrophy. Last evaluated: 2014-01-01. Review status: criteria provided, single submitter. Criteria: ACMG Guidelines, 2015. Collection method: clinical testing. Allele origin: germline. Affected: yes.

Ophthalmo-Genetics Lab, Instituto de Oftalmologia Conde de Valenciana
Classification: Pathogenic for Severe early-childhood-onset retinal dystrophy. Review status: no assertion criteria provided. Collection method: research. Allele origin: germline. Inheritance: Autosomal recessive inheritance. Affected: yes. Not counted in ClinVar's aggregate classification.

Retina International
No classification provided. Review status: no classification provided. Collection method: not provided. Allele origin: not provided. Not counted in ClinVar's aggregate classification.

Literature cited by the submitters: PubMed 11527935 (cited by Labcorp Genetics (formerly Invitae), Labcorp and Institute of Human Genetics, Univ. Regensburg, Univ. Regensburg); PubMed 28118664 (cited by Labcorp Genetics (formerly Invitae), Labcorp); PubMed 29854428 (cited by Labcorp Genetics (formerly Invitae), Labcorp and Ophthalmo-Genetics Lab, Instituto de Oftalmologia Conde de Valenciana); PubMed 10958763 (cited by Labcorp Genetics (formerly Invitae), Labcorp); PubMed 11379881 (cited by Labcorp Genetics (formerly Invitae), Labcorp); PubMed 26092729 (cited by Labcorp Genetics (formerly Invitae), Labcorp); PubMed 26103963 (cited by Labcorp Genetics (formerly Invitae), Labcorp); PubMed 30337596 (cited by Labcorp Genetics (formerly Invitae), Labcorp); PubMed 3646071 (cited by Institute of Human Genetics, Univ. Regensburg, Univ. Regensburg).